The following is an entry in ClinVar:

NM_052947.4(ALPK2):c.3203C>T (p.Ser1068Phe)

Gene: ALPK2 (alpha kinase 2; minus strand). Cytogenetic location: 18q21.31.
Variant type: single nucleotide variant.
Coding change: c.3203C>T on transcript NM_052947.4 (MANE Select); coding-DNA position 3203, C replaced by T.
Protein change: p.Ser1068Phe; replaces serine 1068 with phenylalanine.
Molecular consequence: missense variant.
Genome position (GRCh38, 1-based): chr18:58,536,984, G>A on the plus strand (C>T on the coding strand, the complement: ALPK2 is on the minus strand). VCF-style: chr18-58536984-G-A. GRCh37 (hg19) VCF-style: chr18-56204216-G-A.
Other names: short protein forms S1068F.
Identifiers: ClinVar variation 2449285 (VCV002449285.2), dbSNP rs2518876758, ClinGen allele CA402568883.

ClinVar aggregate classification (germline): Uncertain significance (1 of 4 stars; one submission).

Submission:

Ambry Genetics
Classification: Uncertain significance. Last evaluated: 2023-02-18. Review status: criteria provided, single submitter. Criteria: Ambry Variant Classification Scheme 2023. Collection method: clinical testing. Allele origin: germline.
Comment: The p.S1068F variant (also known as c.3203C>T), located in coding exon 4 of the ALPK2 gene, results from a C to T substitution at nucleotide position 3203. The serine at codon 1068 is replaced by phenylalanine, an amino acid with highly dissimilar properties. This amino acid position is conserved. In addition, this alteration is predicted to be tolerated by in silico analysis. Since supporting evidence is limited at this time, the clinical significance of this alteration remains unclear.